The following is an entry in ClinVar:

ClinVar aggregate classification (germline): Uncertain significance (1 of 4 stars; one submission).

Submission:

GeneDx
Classification: Uncertain significance. Last evaluated: 2024-03-26. Review status: criteria provided, single submitter. Criteria: GeneDx Variant Classification Process June 2021. Collection method: clinical testing. Allele origin: germline. Affected: yes.
Comment: Not observed at significant frequency in large population cohorts (gnomAD); In silico analysis supports that this missense variant does not alter protein structure/function; Has not been previously published as pathogenic or benign to our knowledge

NM_003590.5(CUL3):c.1648C>T (p.Leu550Phe)

Gene: CUL3 (cullin 3; minus strand). Cytogenetic location: 2q36.2.
Variant type: single nucleotide variant.
Coding change: c.1648C>T on transcript NM_003590.5 (MANE Select); coding-DNA position 1648, C replaced by T.
Protein change: p.Leu550Phe; replaces leucine 550 with phenylalanine.
Molecular consequence: missense variant.
Genome position (GRCh38, 1-based): chr2:224,497,812, G>A on the plus strand (C>T on the coding strand, the complement: CUL3 is on the minus strand). VCF-style: chr2-224497812-G-A. GRCh37 (hg19) VCF-style: chr2-225362529-G-A.
Other names: c.1450C>T, p.Leu484Phe (NM_001257197.2); c.1666C>T, p.Leu556Phe (NM_001257198.2); short protein forms L484F, L550F, L556F.
Identifiers: ClinVar variation 3371330 (VCV003371330.1).